The following is an entry in ClinVar:

ClinVar aggregate classification (germline): Uncertain significance (1 of 4 stars; one submission).

Conditions:
Walker-Warburg congenital muscular dystrophy. Also called: Muscular dystrophy-dystroglycanopathy, type A; Walker-Warburg syndrome. Identifiers: Orphanet 899, MedGen C0265221, MONDO:0000171.
Autosomal recessive limb-girdle muscular dystrophy type 2K. Also called: MUSCULAR DYSTROPHY, LIMB-GIRDLE, TYPE 2K; MUSCULAR DYSTROPHY-DYSTROGLYCANOPATHY (LIMB-GIRDLE), TYPE C, 1. Identifiers: Orphanet 86812, MedGen C1836373, MONDO:0012248, OMIM 609308.
Muscular dystrophy-dystroglycanopathy (congenital with impaired intellectual development), type B, 1. Also called: MUSCULAR DYSTROPHY, CONGENITAL, POMT1-RELATED; Muscular dystrophy-dystroglycanopathy (congenital with intellectual disability), type B1. Identifiers: MedGen C5436962, MONDO:0013159, OMIM 613155.

Submission:

Labcorp Genetics (formerly Invitae), Labcorp
Classification: Uncertain significance for Muscular dystrophy-dystroglycanopathy (congenital with impaired intellectual development), type B, 1; Walker-Warburg congenital muscular dystrophy; Autosomal recessive limb-girdle muscular dystrophy type 2K. Last evaluated: 2022-02-17. Review status: criteria provided, single submitter. Criteria: Invitae Variant Classification Sherloc (09022015). Collection method: clinical testing. Allele origin: germline.
Comment: This sequence change replaces phenylalanine, which is neutral and non-polar, with leucine, which is neutral and non-polar, at codon 467 of the POMT1 protein (p.Phe467Leu). This variant is not present in population databases (gnomAD no frequency). In summary, the available evidence is currently insufficient to determine the role of this variant in disease. Therefore, it has been classified as a Variant of Uncertain Significance. Algorithms developed to predict the effect of missense changes on protein structure and function output the following: SIFT: "Tolerated"; PolyPhen-2: "Benign"; Align-GVGD: "Class C0". The leucine amino acid residue is found in multiple mammalian species, which suggests that this missense change does not adversely affect protein function. This variant has not been reported in the literature in individuals affected with POMT1-related conditions.

NM_001077365.2(POMT1):c.1335T>G (p.Phe445Leu)

Gene: POMT1 (protein O-mannosyltransferase 1; plus strand). Cytogenetic location: 9q34.13.
Variant type: single nucleotide variant.
Coding change: c.1335T>G on transcript NM_001077365.2 (MANE Select); coding-DNA position 1335, T replaced by G.
Protein change: p.Phe445Leu; replaces phenylalanine 445 with leucine.
Molecular consequence: missense variant. On other transcripts: non-coding transcript variant (10).
Genome position (GRCh38, 1-based): chr9:131,518,507, T>G. VCF-style: chr9-131518507-T-G. GRCh37 (hg19) VCF-style: chr9-134393894-T-G.
Other names: c.1173T>G, p.Phe391Leu (NM_001077366.2, NM_001353194.2); c.1335T>G, p.Phe445Leu (NM_001136113.2, NM_001374690.1); c.984T>G, p.Phe328Leu (NM_001136114.2, NM_001353195.2, NM_001374691.1 and 2 more transcripts); c.1401T>G, p.Phe467Leu (NM_001353193.2, NM_007171.4); c.1245T>G, p.Phe415Leu (NM_001353196.2); c.1239T>G, p.Phe413Leu (NM_001353197.2, NM_001353198.2); c.1050T>G, p.Phe350Leu (NM_001353199.2); c.879T>G, p.Phe293Leu (NM_001353200.2); and 2 more; short protein forms F328L, F415L, F467L, F293L, F350L, F413L, F441L, F445L.
Identifiers: ClinVar variation 1395773 (VCV001395773.8), dbSNP rs2131848570, ClinGen allele CA375311413.
Genomic context (GRCh38, chr9:131,518,507, plus strand): 5'-AATTGTGAACAGAGGATCTGACACAGACGTCTGGAAGACCATCCTCTCAGAGGTCCGCTT[T>G]GTGCACGTGAACACTTCCGCTGTCTTAAAGGTAAGGACACTGTCCGTGGCTTGGCCTGTC-3'
Protein context (NP_001070833.1, residues 435-455): VWKTILSEVR[Phe445Leu]VHVNTSAVLK